The following is an entry in ClinVar:

NM_001199138.2(NLRC4):c.312T>G (p.Asp104Glu)

Gene: NLRC4 (NLR family CARD domain containing 4; minus strand). Cytogenetic location: 2p22.3.
Variant type: single nucleotide variant.
Coding change: c.312T>G on transcript NM_001199138.2 (MANE Select); coding-DNA position 312, T replaced by G.
Protein change: p.Asp104Glu; replaces aspartic acid 104 with glutamic acid.
Molecular consequence: missense variant. On other transcripts: intron variant (1).
Genome position (GRCh38, 1-based): chr2:32,251,552, A>C on the plus strand (T>G on the coding strand, the complement: NLRC4 is on the minus strand). VCF-style: chr2-32251552-A-C. GRCh37 (hg19) VCF-style: chr2-32476621-A-C.
Other names: c.312T>G, p.Asp104Glu (NM_001199139.2, NM_021209.5); c.262+867T>G (NM_001302504.1); short protein forms D104E.
Identifiers: ClinVar variation 1013408 (VCV001013408.42), dbSNP rs779306819, ClinGen allele CA1602160.

ClinVar aggregate classification (germline): Uncertain significance. Review status: criteria provided, multiple submitters, no conflicts (2 of 4 stars). 2 submissions from 2 submitters: Uncertain significance (2). Last evaluated 2022-02-24.

Conditions:
Familial cold autoinflammatory syndrome 4 (FCAS4). Identifiers: Orphanet 47045, Orphanet 576349, MedGen C4015276, MONDO:0014498, OMIM 616115.
Periodic fever-infantile enterocolitis-autoinflammatory syndrome. Also called: Autoinflammation with infantile enterocolitis. Identifiers: Orphanet 436166, MedGen C4015067, MONDO:0014472, OMIM 616050.

Allele frequency attached by ClinVar (database versions not stated): gnomAD exomes below 0.00001; ExAC 0.00001.
gnomAD v4.1: 2 of 1,612,058 alleles (0.00012%); highest among the groups gnomAD compares: Non-Finnish European, 0.00017%; no homozygotes.

Submissions (2):

Labcorp Genetics (formerly Invitae), Labcorp
Classification: Uncertain significance for Periodic fever-infantile enterocolitis-autoinflammatory syndrome; Familial cold autoinflammatory syndrome 4. Last evaluated: 2022-02-24. Review status: criteria provided, single submitter. Criteria: Invitae Variant Classification Sherloc (09022015). Collection method: clinical testing. Allele origin: germline.
Comment: ClinVar contains an entry for this variant (Variation ID: 1013408). This sequence change replaces aspartic acid, which is acidic and polar, with glutamic acid, which is acidic and polar, at codon 104 of the NLRC4 protein (p.Asp104Glu). This variant is present in population databases (rs779306819, gnomAD 0.0009%). This variant has not been reported in the literature in individuals affected with NLRC4-related conditions. Algorithms developed to predict the effect of missense changes on protein structure and function (SIFT, PolyPhen-2, Align-GVGD) all suggest that this variant is likely to be tolerated. In summary, the available evidence is currently insufficient to determine the role of this variant in disease. Therefore, it has been classified as a Variant of Uncertain Significance.

CeGaT Center for Human Genetics Tuebingen
Classification: Uncertain significance. Last evaluated: 2020-10-01. Review status: criteria provided, single submitter. Criteria: CeGaT Center For Human Genetics Tuebingen Variant Classification Criteria Version 2. Collection method: clinical testing. Allele origin: germline. Affected: yes. Observed: 1 variant allele.